The following is an entry in ClinVar:

NM_012062.5(DNM1L):c.1193A>G (p.Asn398Ser)

Gene: DNM1L (dynamin 1 like; plus strand). Cytogenetic location: 12p11.21.
Variant type: single nucleotide variant.
Coding change: c.1193A>G on transcript NM_012062.5 (MANE Select); coding-DNA position 1193, A replaced by G.
Protein change: p.Asn398Ser; replaces asparagine 398 with serine.
Molecular consequence: missense variant.
Genome position (GRCh38, 1-based): chr12:32,731,127, A>G. VCF-style: chr12-32731127-A-G. GRCh37 (hg19) VCF-style: chr12-32884061-A-G.
Other names: c.1193A>G, p.Asn398Ser (NM_001278463.2, NM_005690.5, NM_012063.4); c.1232A>G, p.Asn411Ser (NM_001278464.2, NM_001278465.2, NM_001330380.2); c.584A>G, p.Asn195Ser (NM_001278466.2); short protein forms N195S, N398S, N411S.
Identifiers: ClinVar variation 2090349 (VCV002090349.4), dbSNP rs2541079392, ClinGen allele CA384357498.

ClinVar aggregate classification (germline): Uncertain significance (1 of 4 stars; one submission).

Submission:

Labcorp Genetics (formerly Invitae), Labcorp
Classification: Uncertain significance. Last evaluated: 2024-01-02. Review status: criteria provided, single submitter. Criteria: Invitae Variant Classification Sherloc (09022015). Collection method: clinical testing. Allele origin: germline.
Comment: This sequence change replaces asparagine, which is neutral and polar, with serine, which is neutral and polar, at codon 398 of the DNM1L protein (p.Asn398Ser). This variant is not present in population databases (gnomAD no frequency). This variant has not been reported in the literature in individuals affected with DNM1L-related conditions. ClinVar contains an entry for this variant (Variation ID: 2090349). An algorithm developed to predict the effect of missense changes on protein structure and function (PolyPhen-2) suggests that this variant is likely to be disruptive. In summary, the available evidence is currently insufficient to determine the role of this variant in disease. Therefore, it has been classified as a Variant of Uncertain Significance.